The following is an entry in ClinVar:

ClinVar aggregate classification (germline): Uncertain significance (1 of 4 stars; one submission).

Conditions:
Growth hormone insensitivity with immune dysregulation 1, autosomal recessive. Also called: GROWTH HORMONE INSENSITIVITY SYNDROME WITH IMMUNE DYSREGULATION 1, AUTOSOMAL RECESSIVE; GROWTH HORMONE INSENSITIVITY DUE TO POSTRECEPTOR DEFECT; LARON SYNDROME DUE TO POSTRECEPTOR DEFECT; Laron syndrome with immunodeficiency. Identifiers: Orphanet 220465, MedGen C5435698, MONDO:0100211, OMIM 245590.

Submission:

Labcorp Genetics (formerly Invitae), Labcorp
Classification: Uncertain significance for Growth hormone insensitivity with immune dysregulation 1, autosomal recessive. Last evaluated: 2025-02-22. Review status: criteria provided, single submitter. Criteria: Invitae Variant Classification Sherloc (09022015). Collection method: clinical testing. Allele origin: germline.
Comment: This sequence change replaces glycine, which is neutral and non-polar, with valine, which is neutral and non-polar, at codon 131 of the STAT5B protein (p.Gly131Val). This variant is not present in population databases (gnomAD no frequency). This variant has not been reported in the literature in individuals affected with STAT5B-related conditions. ClinVar contains an entry for this variant (Variation ID: 1473564). Invitae Evidence Modeling of protein sequence and biophysical properties (such as structural, functional, and spatial information, amino acid conservation, physicochemical variation, residue mobility, and thermodynamic stability) indicates that this missense variant is not expected to disrupt STAT5B protein function with a negative predictive value of 80%. In summary, the available evidence is currently insufficient to determine the role of this variant in disease. Therefore, it has been classified as a Variant of Uncertain Significance.

NM_012448.4(STAT5B):c.392G>T (p.Gly131Val)

Gene: STAT5B (signal transducer and activator of transcription 5B; minus strand). Cytogenetic location: 17q21.2.
Variant type: single nucleotide variant.
Coding change: c.392G>T on transcript NM_012448.4 (MANE Select); coding-DNA position 392, G replaced by T.
Protein change: p.Gly131Val; replaces glycine 131 with valine.
Molecular consequence: missense variant.
Genome position (GRCh38, 1-based): chr17:42,223,540, C>A on the plus strand (G>T on the coding strand, the complement: STAT5B is on the minus strand). VCF-style: chr17-42223540-C-A. GRCh37 (hg19) VCF-style: chr17-40375558-C-A.
Other names: short protein forms G131V.
Identifiers: ClinVar variation 1473564 (VCV001473564.6), dbSNP rs2144267555, ClinGen allele CA399589626.